The following is an entry in ClinVar:

ClinVar aggregate classification (germline): Uncertain significance (1 of 4 stars; one submission).

Submission:

Labcorp Genetics (formerly Invitae), Labcorp
Classification: Uncertain significance. Last evaluated: 2022-08-16. Review status: criteria provided, single submitter. Criteria: Invitae Variant Classification Sherloc (09022015). Collection method: clinical testing. Allele origin: germline.
Comment: Experimental studies and prediction algorithms are not available or were not evaluated, and the functional significance of this variant is currently unknown. This variant has not been reported in the literature in individuals affected with KIF11-related conditions. This variant is not present in population databases (gnomAD no frequency). This variant, c.1896_1898del, results in the deletion of 1 amino acid(s) of the KIF11 protein (p.Leu633del), but otherwise preserves the integrity of the reading frame. In summary, the available evidence is currently insufficient to determine the role of this variant in disease. Therefore, it has been classified as a Variant of Uncertain Significance.

NM_004523.4(KIF11):c.1893TCT[1] (p.Leu633del)

Gene: KIF11 (kinesin family member 11; plus strand). Cytogenetic location: 10q23.33.
Variant type: Microsatellite.
Coding change: c.1893TCT[1] on transcript NM_004523.4 (MANE Select); one copy of the 3-base unit TCT starting at c.1893; the reference has two copies in a row; one copy, 3 bases deleted.
Protein change: p.Leu633del; deletes leucine 633.
Molecular consequence: inframe deletion.
Genome position (GRCh38, 1-based): chr10:92,637,204-92,637,206, TCT deleted; deleting any 3 consecutive bases within chr10:92,637,201-92,637,206 gives the same sequence; the position shown is the placement nearest the transcript's 3' end. VCF-style (leftmost placement, unchanged base first): chr10-92637200-ATCT-A. GRCh37 (hg19) VCF-style: chr10-94396957-ATCT-A.
Other names: short protein forms L633del.
Identifiers: ClinVar variation 1474637 (VCV001474637.8), dbSNP rs1250924332, ClinGen allele CA470784678.